The following is an entry in ClinVar:

NM_000334.4(SCN4A):c.5404G>A (p.Gly1802Arg)

Genes: GH-LCR (growth hormone locus control region; plus strand), SCN4A (sodium voltage-gated channel alpha subunit 4; minus strand). Cytogenetic location: 17q23.3.
Variant type: single nucleotide variant.
Coding change: c.5404G>A on transcript NM_000334.4 (MANE Select); coding-DNA position 5404, G replaced by A.
Protein change: p.Gly1802Arg; replaces glycine 1802 with arginine.
Molecular consequence: missense variant.
Genome position (GRCh38, 1-based): chr17:63,940,878, C>T on the plus strand (G>A on the coding strand, the complement: SCN4A is on the minus strand). VCF-style: chr17-63940878-C-T. GRCh37 (hg19) VCF-style: chr17-62018238-C-T.
Other names: short protein forms G1802R.
Identifiers: ClinVar variation 80615 (VCV000080615.22), dbSNP rs267604988, ClinGen allele CA8708762.
Genomic context (GRCh38, chr17:63,940,878, plus strand): 5'-GAGGGGCGGGAGGCCAGGCAGTGTCTGAGGGGCTGATGGGCATCAGCCCCATAGTGGGTC[C>T]GGCGTCCCCTGCCTCGCCCTTCTCCTCCGGGCTTGGCGAGCTGCTGTTCCCATTCTCGTG-3'
Protein context (NP_000325.4, residues 1792-1812): PEEKGEAGDA[Gly1802Arg]PTMGLMPISP

ClinVar aggregate classification (germline): Conflicting classifications of pathogenicity. Review status: criteria provided, conflicting classifications (1 of 4 stars). 10 submissions from 6 submitters: Uncertain significance (6); Benign (1); Likely benign (3). Last evaluated 2026-05-19.

Conditions:
Congenital myasthenic syndrome 16. Identifiers: Orphanet 590, MedGen C3280112, MONDO:0013620, OMIM 614198.
Paramyotonia congenita of Von Eulenburg. Also called: Eulenburg disease; Myotonia congenita intermittens; Von Eulenburg paramyotonia congenita; PARALYSIS PERIODICA PARAMYOTONICA; Paramyotonia Congenita. Identifiers: Orphanet 684, MedGen C0221055, MONDO:0008195, OMIM 168300. Disease mechanism: loss of function.
Hypokalemic periodic paralysis, type 2 (HOKPP2). Identifiers: Orphanet 681, MedGen C2750061, MONDO:0013234, OMIM 613345.
Hyperkalemic periodic paralysis. Also called: Familial hyperkalemic periodic paralysis; Gamstorp disease. Identifiers: Orphanet 682, MedGen C0238357, MONDO:0008224, OMIM 170500, HP:0007215.
Potassium-aggravated myotonia. Also called: MYOTONIA CONGENITA, ACETAZOLAMIDE-RESPONSIVE; MYOTONIA CONGENITA, ATYPICAL; SODIUM CHANNEL MUSCLE DISEASE; Myotonia congenita, atypical, acetazolamide-responsive. Identifiers: Orphanet 612, Orphanet 99734, Orphanet 99735, Orphanet 99736, MedGen C2931826, MONDO:0018959, OMIM 608390.
Inborn genetic diseases. Identifiers: MedGen C0950123, MeSH D030342.
Congenital myopathy 22A, classic (CMYO22A). Identifiers: MedGen C5830453, MONDO:0957247, OMIM 620351.
Congenital myopathy 22B, severe fetal (CMYO22B). Identifiers: MedGen C5830501, MONDO:0957265, OMIM 620369.

Allele frequency attached by ClinVar (database versions not stated): ExAC 0.00003; 1000 Genomes Project 0.00040; gnomAD exomes 0.00003; TOPMed 0.00004; gnomAD 0.00006 and 0.00007; 1000 Genomes Project 30x 0.00047.

Submissions (10):

GeneDx
Classification: Uncertain significance. Last evaluated: 2026-05-19. Review status: criteria provided, single submitter. Criteria: GeneDx Variant Classification Process June 2021. Collection method: clinical testing. Allele origin: germline.
Comment: In silico analysis suggests that this missense variant does not alter protein structure/function; Has not been previously published as pathogenic or benign to our knowledge

Labcorp Genetics (formerly Invitae), Labcorp
Classification: Uncertain significance for Hyperkalemic periodic paralysis. Last evaluated: 2026-01-19. Review status: criteria provided, single submitter. Criteria: Invitae Variant Classification Sherloc (09022015). Collection method: clinical testing. Allele origin: germline.
Comment: This sequence change replaces glycine, which is neutral and non-polar, with arginine, which is basic and polar, at codon 1802 of the SCN4A protein (p.Gly1802Arg). This variant is present in population databases (rs267604988, gnomAD 0.01%). This variant has not been reported in the literature in individuals affected with SCN4A-related conditions. ClinVar contains an entry for this variant (Variation ID: 80615). Invitae Evidence Modeling of protein sequence and biophysical properties (such as structural, functional, and spatial information, amino acid conservation, physicochemical variation, residue mobility, and thermodynamic stability) indicates that this missense variant is not expected to disrupt SCN4A protein function with a negative predictive value of 95%. In summary, the available evidence is currently insufficient to determine the role of this variant in disease. Therefore, it has been classified as a Variant of Uncertain Significance.

Fulgent Genetics
Classification: Uncertain significance for Paramyotonia congenita of Von Eulenburg; Hyperkalemic periodic paralysis; Potassium-aggravated myotonia; Hypokalemic periodic paralysis, type 2; Congenital myasthenic syndrome 16; Congenital myopathy 22A, classic; Congenital myopathy 22B, severe fetal. Last evaluated: 2024-02-07. Review status: criteria provided, single submitter. Criteria: ACMG Guidelines, 2015. Collection method: clinical testing. Allele origin: germline.

Revvity Omics, Revvity
Classification: Uncertain significance. Last evaluated: 2023-12-28. Review status: criteria provided, single submitter. Criteria: ACMG Guidelines, 2015. Collection method: clinical testing. Allele origin: germline.

Ambry Genetics
Classification: Uncertain significance for Inborn genetic diseases. Last evaluated: 2023-10-06. Review status: criteria provided, single submitter. Criteria: Ambry Variant Classification Scheme 2023. Collection method: clinical testing. Allele origin: germline.

Illumina Laboratory Services, Illumina
Classification: Likely benign for Hyperkalemic periodic paralysis. Last evaluated: 2018-01-13. Review status: criteria provided, single submitter. Criteria: ICSL Variant Classification Criteria 13 December 2019. Collection method: clinical testing. Allele origin: germline.
Comment: This variant was observed in the ICSL laboratory as part of a predisposition screen in an ostensibly healthy population. It had not been previously curated by ICSL or reported in the Human Gene Mutation Database (HGMD: prior to June 1st, 2018), and was therefore a candidate for classification through an automated scoring system. Utilizing variant allele frequency, disease prevalence and penetrance estimates, and inheritance mode, an automated score was calculated to assess if this variant is too frequent to cause the disease. Based on the score and internal cut-off values, a variant classified as likely benign is not then subjected to further curation. The score for this variant resulted in a classification of likely benign for this disease.

Illumina Laboratory Services, Illumina
Classification: Benign for Potassium-aggravated myotonia. Last evaluated: 2018-01-13. Review status: criteria provided, single submitter. Criteria: ICSL Variant Classification Criteria 13 December 2019. Collection method: clinical testing. Allele origin: germline.
Comment: This variant was observed in the ICSL laboratory as part of a predisposition screen in an ostensibly healthy population. It had not been previously curated by ICSL or reported in the Human Gene Mutation Database (HGMD: prior to June 1st, 2018), and was therefore a candidate for classification through an automated scoring system. Utilizing variant allele frequency, disease prevalence and penetrance estimates, and inheritance mode, an automated score was calculated to assess if this variant is too frequent to cause the disease. Based on the score and internal cut-off values, a variant classified as benign is not then subjected to further curation. The score for this variant resulted in a classification of benign for this disease.

Illumina Laboratory Services, Illumina
Classification: Likely benign for Hypokalemic periodic paralysis, type 2. Last evaluated: 2018-01-13. Review status: criteria provided, single submitter. Criteria: ICSL Variant Classification Criteria 13 December 2019. Collection method: clinical testing. Allele origin: germline.
Comment: the same text as in the submission from Illumina Laboratory Services, Illumina above.

Illumina Laboratory Services, Illumina
Classification: Uncertain significance for Congenital myasthenic syndrome 16. Last evaluated: 2018-01-13. Review status: criteria provided, single submitter. Criteria: ICSL Variant Classification Criteria 13 December 2019. Collection method: clinical testing. Allele origin: germline.

Illumina Laboratory Services, Illumina
Classification: Likely benign for Paramyotonia congenita of Von Eulenburg. Last evaluated: 2018-01-13. Review status: criteria provided, single submitter. Criteria: ICSL Variant Classification Criteria 13 December 2019. Collection method: clinical testing. Allele origin: germline.
Comment: the same text as in the submission from Illumina Laboratory Services, Illumina above.